The following is an entry in ClinVar:

ClinVar aggregate classification (germline): Uncertain significance (1 of 4 stars; one submission).

Conditions:
Hypertrophic cardiomyopathy. Also called: HYPERTROPHIC MYOCARDIOPATHY. Identifiers: Orphanet 217569, MedGen C0007194, MeSH D002312, MONDO:0005045, HP:0001639.

Allele frequency attached by ClinVar (database versions not stated): gnomAD 0.00001.
gnomAD v4.1: 4 of 1,613,326 alleles (0.00025%); highest among the groups gnomAD compares: East Asian, 0.0089%; no homozygotes.

Submission:

Labcorp Genetics (formerly Invitae), Labcorp
Classification: Uncertain significance for Hypertrophic cardiomyopathy. Last evaluated: 2023-05-01. Review status: criteria provided, single submitter. Criteria: Invitae Variant Classification Sherloc (09022015). Collection method: clinical testing. Allele origin: germline.
Comment: In summary, the available evidence is currently insufficient to determine the role of this variant in disease. Therefore, it has been classified as a Variant of Uncertain Significance. Algorithms developed to predict the effect of missense changes on protein structure and function output the following: SIFT: "Not Available"; PolyPhen-2: "Benign"; Align-GVGD: "Not Available". The lysine amino acid residue is found in multiple mammalian species, which suggests that this missense change does not adversely affect protein function. ClinVar contains an entry for this variant (Variation ID: 1376374). This variant has not been reported in the literature in individuals affected with MYOM1-related conditions. This variant is present in population databases (no rsID available, gnomAD 0.01%). This sequence change replaces glutamic acid, which is acidic and polar, with lysine, which is basic and polar, at codon 57 of the MYOM1 protein (p.Glu57Lys).

NM_003803.4(MYOM1):c.169G>A (p.Glu57Lys)

Gene: MYOM1 (myomesin 1; minus strand). Cytogenetic location: 18p11.31.
Variant type: single nucleotide variant.
Coding change: c.169G>A on transcript NM_003803.4 (MANE Select); coding-DNA position 169, G replaced by A.
Protein change: p.Glu57Lys; replaces glutamic acid 57 with lysine.
Molecular consequence: missense variant.
Genome position (GRCh38, 1-based): chr18:3,215,055, C>T on the plus strand (G>A on the coding strand, the complement: MYOM1 is on the minus strand). VCF-style: chr18-3215055-C-T. GRCh37 (hg19) VCF-style: chr18-3215053-C-T.
Other names: c.169G>A, p.Glu57Lys (NM_019856.2); short protein forms E57K.
Identifiers: ClinVar variation 1376374 (VCV001376374.6), dbSNP rs749096655, ClinGen allele CA401718146.
Genomic context (GRCh38, chr18:3,215,055, plus strand): 5'-CGTGCTGCGAGGCCTGCTGCTGGGAGGAGGAGGCGGACGCCCGACGGAAGGCCTCGGACT[C>T]CCGGCGGTGCGCGGCGGAGGAGCGGCTGCTGTAGGCCGTGGAGCCCTGGGTGTAGACGGC-3'
Protein context (NP_003794.3, residues 47-67): SSRSSAAHRR[Glu57Lys]SEAFRRASAS